The following is an entry in ClinVar:

NM_004655.4(AXIN2):c.1075C>G (p.Pro359Ala)

Gene: AXIN2 (axin 2; minus strand). Cytogenetic location: 17q24.1.
Variant type: single nucleotide variant.
Coding change: c.1075C>G on transcript NM_004655.4 (MANE Select); coding-DNA position 1075, C replaced by G.
Protein change: p.Pro359Ala; replaces proline 359 with alanine.
Molecular consequence: missense variant.
Genome position (GRCh38, 1-based): chr17:65,538,328, G>C on the plus strand (C>G on the coding strand, the complement: AXIN2 is on the minus strand). VCF-style: chr17-65538328-G-C. GRCh37 (hg19) VCF-style: chr17-63534446-G-C.
Other names: c.1075C>G, p.Pro359Ala (NM_001363813.1); short protein forms P359A.
Identifiers: ClinVar variation 1784672 (VCV001784672.6), dbSNP rs2043981534, ClinGen allele CA400678591.

ClinVar aggregate classification (germline): Uncertain significance. Review status: criteria provided, multiple submitters, no conflicts (2 of 4 stars). 2 submissions from 2 submitters: Uncertain significance (2). Last evaluated 2025-03-16.

Conditions:
Hereditary cancer-predisposing syndrome. Also called: Neoplastic Syndromes, Hereditary; Tumor predisposition; Hereditary Cancer Syndrome; Hereditary neoplastic syndrome. Identifiers: Orphanet 140162, MedGen C0027672, MeSH D009386, MONDO:0015356.
Oligodontia-cancer predisposition syndrome. Also called: TOOTH AGENESIS-COLORECTAL CANCER SYNDROME. Identifiers: Orphanet 300576, MedGen C1837750, MONDO:0012075, OMIM 608615. Disease mechanism: loss of function.

Allele frequency attached by ClinVar (database versions not stated): gnomAD exomes below 0.00001.
gnomAD v4.1: 3 of 1,614,202 alleles (0.00019%); highest among the groups gnomAD compares: South Asian, 0.0033%; no homozygotes.

Submissions (2):

Ambry Genetics
Classification: Uncertain significance for Hereditary cancer-predisposing syndrome. Last evaluated: 2025-03-16. Review status: criteria provided, single submitter. Criteria: Ambry Variant Classification Scheme 2023. Collection method: clinical testing. Allele origin: germline.
Comment: The p.P359A variant (also known as c.1075C>G), located in coding exon 4 of the AXIN2 gene, results from a C to G substitution at nucleotide position 1075. The proline at codon 359 is replaced by alanine, an amino acid with highly similar properties. This amino acid position is conserved. In addition, the in silico prediction for this alteration is inconclusive. Since supporting evidence is limited at this time, the clinical significance of this alteration remains unclear.

Labcorp Genetics (formerly Invitae), Labcorp
Classification: Uncertain significance for Oligodontia-cancer predisposition syndrome. Last evaluated: 2025-01-29. Review status: criteria provided, single submitter. Criteria: Invitae Variant Classification Sherloc (09022015). Collection method: clinical testing. Allele origin: germline.
Comment: This sequence change replaces proline, which is neutral and non-polar, with alanine, which is neutral and non-polar, at codon 359 of the AXIN2 protein (p.Pro359Ala). This variant is not present in population databases (gnomAD no frequency). This variant has not been reported in the literature in individuals affected with AXIN2-related conditions. ClinVar contains an entry for this variant (Variation ID: 1784672). Invitae Evidence Modeling of protein sequence and biophysical properties (such as structural, functional, and spatial information, amino acid conservation, physicochemical variation, residue mobility, and thermodynamic stability) indicates that this missense variant is expected to disrupt AXIN2 protein function with a positive predictive value of 80%. In summary, the available evidence is currently insufficient to determine the role of this variant in disease. Therefore, it has been classified as a Variant of Uncertain Significance.